The following is an entry in ClinVar:

NM_000642.3(AGL):c.3751G>A (p.Gly1251Arg)

Gene: AGL (amylo-alpha-1,6-glucosidase and 4-alpha-glucanotransferase; plus strand). Cytogenetic location: 1p21.2.
Variant type: single nucleotide variant.
Coding change: c.3751G>A on transcript NM_000642.3 (MANE Select); coding-DNA position 3751, G replaced by A.
Protein change: p.Gly1251Arg; replaces glycine 1251 with arginine.
Molecular consequence: missense variant.
Genome position (GRCh38, 1-based): chr1:99,910,762, G>A. VCF-style: chr1-99910762-G-A. GRCh37 (hg19) VCF-style: chr1-100376318-G-A.
Other names: c.3751G>A (NM_000642.2); c.3751G>A, p.Gly1251Arg (NM_000028.3, NM_000643.3, NM_000644.3 and 1 more transcripts); c.3703G>A, p.Gly1235Arg (NM_000646.3); c.3730G>A, p.Gly1244Arg (NM_001425326.1); c.3550G>A, p.Gly1184Arg (NM_001425327.1); c.3547G>A, p.Gly1183Arg (NM_001425328.1); c.3412G>A, p.Gly1138Arg (NM_001425329.1); c.3373G>A, p.Gly1125Arg (NM_001425332.1); short protein forms G1251R, G1235R, G1125R, G1138R, G1183R, G1184R, G1244R.
Identifiers: ClinVar variation 1398884 (VCV001398884.7), dbSNP rs745452268, ClinGen allele CA967206.
Genomic context (GRCh38, chr1:99,910,762, plus strand): 5'-TGTTTTTTAGGTTTTAATATAACTGCAGGAGTTGATGAAGAAACAGGATTTGTTTATGGA[G>A]GAAATCGTTTCAATTGTGGCACATGGATGGATAAAATGGGAGAAAGTGACAGAGCTAGAA-3'
Protein context (NP_000633.2, residues 1241-1261): VDEETGFVYG[Gly1251Arg]NRFNCGTWMD

ClinVar aggregate classification (germline): Uncertain significance. Review status: criteria provided, multiple submitters, no conflicts (2 of 4 stars). 2 submissions from 2 submitters: Uncertain significance (2). Last evaluated 2025-06-08.

Conditions:
Inborn genetic diseases. Identifiers: MedGen C0950123, MeSH D030342.
Glycogen storage disease type III (GSD3). Also called: Cori disease; FORBES DISEASE. Identifiers: Orphanet 366, MedGen C0017922, MONDO:0009291, OMIM 232400.

Allele frequency attached by ClinVar (database versions not stated): gnomAD exomes below 0.00001; ExAC 0.00001; gnomAD 0.00002; TOPMed 0.00003.
gnomAD v4.1: 8 of 1,612,284 alleles (0.0005%); highest among the groups gnomAD compares: African/African-American, 0.0053%; no homozygotes.

Submissions (2):

Ambry Genetics
Classification: Uncertain significance for Inborn genetic diseases. Last evaluated: 2025-06-08. Review status: criteria provided, single submitter. Criteria: Ambry Variant Classification Scheme 2023. Collection method: clinical testing. Allele origin: germline.

Labcorp Genetics (formerly Invitae), Labcorp
Classification: Uncertain significance for Glycogen storage disease type III. Last evaluated: 2022-07-19. Review status: criteria provided, single submitter. Criteria: Invitae Variant Classification Sherloc (09022015). Collection method: clinical testing. Allele origin: germline.
Comment: This sequence change replaces glycine, which is neutral and non-polar, with arginine, which is basic and polar, at codon 1251 of the AGL protein (p.Gly1251Arg). This variant is present in population databases (rs745452268, gnomAD 0.0009%). This variant has not been reported in the literature in individuals affected with AGL-related conditions. ClinVar contains an entry for this variant (Variation ID: 1398884). Algorithms developed to predict the effect of missense changes on protein structure and function (SIFT, PolyPhen-2, Align-GVGD) all suggest that this variant is likely to be disruptive. In summary, the available evidence is currently insufficient to determine the role of this variant in disease. Therefore, it has been classified as a Variant of Uncertain Significance.